The following is an entry in ClinVar:

NM_000038.6(APC):c.2551A>G (p.Ser851Gly)

Gene: APC (APC regulator of Wnt signaling pathway; plus strand). Cytogenetic location: 5q22.2.
Variant type: single nucleotide variant.
Coding change: c.2551A>G on transcript NM_000038.6 (MANE Select); coding-DNA position 2551, A replaced by G.
Protein change: p.Ser851Gly; replaces serine 851 with glycine.
Molecular consequence: missense variant.
Genome position (GRCh38, 1-based): chr5:112,838,145, A>G. VCF-style: chr5-112838145-A-G. GRCh37 (hg19) VCF-style: chr5-112173842-A-G.
Other names: c.2551A>G, p.Ser851Gly (NM_001127510.3, NM_001354895.2, NM_001407450.1); c.2497A>G, p.Ser833Gly (NM_001127511.3); c.2605A>G, p.Ser869Gly (NM_001354896.2, NM_001407447.1, NM_001407448.1 and 1 more transcripts); c.2581A>G, p.Ser861Gly (NM_001354897.2); c.2476A>G, p.Ser826Gly (NM_001354898.2); c.2467A>G, p.Ser823Gly (NM_001354899.2); c.2428A>G, p.Ser810Gly (NM_001354900.2); c.2374A>G, p.Ser792Gly (NM_001354901.2, NM_001407453.1); and 11 more; short protein forms S568G, S691G, S760G, S768G, S810G, S841G, S844G, S725G.
Identifiers: ClinVar variation 2112057 (VCV002112057.4), dbSNP rs2149872223, ClinGen allele CA16026921.

ClinVar aggregate classification (germline): Uncertain significance (1 of 4 stars; one submission).

Conditions:
Familial adenomatous polyposis 1 (FAP1). Also called: FAMILIAL ADENOMATOUS POLYPOSIS 1, ATTENUATED; POLYPOSIS, ADENOMATOUS INTESTINAL. Identifiers: MedGen C2713442, MONDO:0021056, OMIM 175100. Disease mechanism: loss of function.

Submission:

Labcorp Genetics (formerly Invitae), Labcorp
Classification: Uncertain significance for Familial adenomatous polyposis 1. Last evaluated: 2022-03-14. Review status: criteria provided, single submitter. Criteria: Invitae Variant Classification Sherloc (09022015). Collection method: clinical testing. Allele origin: germline.
Comment: This variant has not been reported in the literature in individuals affected with APC-related conditions. This variant is not present in population databases (gnomAD no frequency). This sequence change replaces serine, which is neutral and polar, with glycine, which is neutral and non-polar, at codon 851 of the APC protein (p.Ser851Gly). Algorithms developed to predict the effect of missense changes on protein structure and function are either unavailable or do not agree on the potential impact of this missense change (SIFT: "Deleterious"; PolyPhen-2: "Benign"; Align-GVGD: "Class C0"). In summary, the available evidence is currently insufficient to determine the role of this variant in disease. Therefore, it has been classified as a Variant of Uncertain Significance.